The following is an entry in ClinVar:

ClinVar aggregate classification (germline): Uncertain significance (1 of 4 stars; one submission).

Conditions:
Early Myoclonic Encephalopathy. Identifiers: MedGen C0270855.

Submission:

Labcorp Genetics (formerly Invitae), Labcorp
Classification: Uncertain significance for Early Myoclonic Encephalopathy. Last evaluated: 2024-06-28. Review status: criteria provided, single submitter. Criteria: Invitae Variant Classification Sherloc (09022015). Collection method: clinical testing. Allele origin: germline.
Comment: This sequence change replaces glutamic acid, which is acidic and polar, with glutamine, which is neutral and polar, at codon 1285 of the JMJD1C protein (p.Glu1285Gln). This variant is not present in population databases (gnomAD no frequency). This variant has not been reported in the literature in individuals affected with JMJD1C-related conditions. Advanced modeling of protein sequence and biophysical properties (such as structural, functional, and spatial information, amino acid conservation, physicochemical variation, residue mobility, and thermodynamic stability) performed at Invitae indicates that this missense variant is not expected to disrupt JMJD1C protein function with a negative predictive value of 80%. In summary, the available evidence is currently insufficient to determine the role of this variant in disease. Therefore, it has been classified as a Variant of Uncertain Significance.

NM_032776.3(JMJD1C):c.3853G>C (p.Glu1285Gln)

Gene: JMJD1C (jumonji domain containing 1C; minus strand). Cytogenetic location: 10q21.3.
Variant type: single nucleotide variant.
Coding change: c.3853G>C on transcript NM_032776.3 (MANE Select); coding-DNA position 3853, G replaced by C.
Protein change: p.Glu1285Gln; replaces glutamic acid 1285 with glutamine.
Molecular consequence: missense variant. On other transcripts: non-coding transcript variant (1).
Genome position (GRCh38, 1-based): chr10:63,207,816, C>G on the plus strand (G>C on the coding strand, the complement: JMJD1C is on the minus strand). VCF-style: chr10-63207816-C-G. GRCh37 (hg19) VCF-style: chr10-64967576-C-G.
Other names: c.3307G>C, p.Glu1103Gln (NM_001282948.2, NM_001318154.2); c.2989G>C, p.Glu997Gln (NM_001318153.2); c.3739G>C, p.Glu1247Gln (NM_001322252.2); c.3196G>C, p.Glu1066Gln (NM_001322254.2, NM_001322258.2); short protein forms E1066Q, E1247Q, E1285Q, E1103Q, E997Q.
Identifiers: ClinVar variation 3658113 (VCV003658113.2).